The following is an entry in ClinVar:

NM_152296.5(ATP1A3):c.1387C>T (p.Arg463Cys)

Gene: ATP1A3 (ATPase Na+/K+ transporting subunit alpha 3; minus strand). Cytogenetic location: 19q13.2.
Variant type: single nucleotide variant.
Coding change: c.1387C>T on transcript NM_152296.5 (MANE Select); coding-DNA position 1387, C replaced by T.
Protein change: p.Arg463Cys; replaces arginine 463 with cysteine.
Molecular consequence: missense variant.
Genome position (GRCh38, 1-based): chr19:41,981,552, G>A on the plus strand (C>T on the coding strand, the complement: ATP1A3 is on the minus strand). VCF-style: chr19-41981552-G-A. GRCh37 (hg19) VCF-style: chr19-42485704-G-A.
Other names: c.1420C>T, p.Arg474Cys (NM_001256213.2); c.1426C>T, p.Arg476Cys (NM_001256214.2); c.1387C>T (NM_152296.3); short protein forms R463C, R474C, R476C.
Identifiers: ClinVar variation 377531 (VCV000377531.49), dbSNP rs150785666, ClinGen allele CA9467655.

ClinVar aggregate classification (germline): Conflicting classifications of pathogenicity. Review status: criteria provided, conflicting classifications (1 of 4 stars). 12 submissions from 11 submitters: Uncertain significance (3); Benign (2); Likely benign (5). 2 of the submissions do not count toward it. Last evaluated 2026-08-01.

Conditions:
ATP1A3-related disorder. Also called: ATP1A3-related condition; ATP1A3-related disorders. Identifiers: MedGen CN381097.
Inborn genetic diseases. Identifiers: MedGen C0950123, MeSH D030342.
Alternating hemiplegia of childhood 2 (AHC2). Also called: Alternating Hemiplegia of Childhood (AHC). Identifiers: Orphanet 2131, MedGen C3553788, MONDO:0013900, OMIM 614820.
Dystonia 12 (DYT12). Also called: DYT-ATP1A3; Rapid-Onset Dystonia-Parkinsonism (RDP). Identifiers: Orphanet 71517, MedGen C1868681, MONDO:0007496, OMIM 128235.

Allele frequency attached by ClinVar (database versions not stated): TOPMed 0.00046; gnomAD exomes 0.00047 and 0.00067; gnomAD 0.00048 and 0.00050; ExAC 0.00054; ESP Exome Variant Server 0.00077.
gnomAD v4.1: 1,044 of 1,614,084 alleles (0.065%); highest among the groups gnomAD compares: Non-Finnish European, 0.081%; 2 homozygotes.

Submissions (12):

CeGaT Center for Human Genetics Tuebingen
Classification: Likely benign. Last evaluated: 2026-08-01. Review status: criteria provided, single submitter. Criteria: CeGaT Center For Human Genetics Tuebingen Variant Classification Criteria Version 2. Collection method: clinical testing. Allele origin: germline. Affected: yes. Observed: 5 variant alleles.
Comment: ATP1A3: BS2

Labcorp Genetics (formerly Invitae), Labcorp
Classification: Likely benign for Dystonia 12. Last evaluated: 2026-01-31. Review status: criteria provided, single submitter. Criteria: Invitae Variant Classification Sherloc (09022015). Collection method: clinical testing. Allele origin: germline.

Women's Health and Genetics/Laboratory Corporation of America, LabCorp
Classification: Uncertain significance. Last evaluated: 2025-07-16. Review status: criteria provided, single submitter. Criteria: LabCorp Variant Classification Summary - May 2015. Collection method: clinical testing. Allele origin: germline.
Comment: Variant summary: ATP1A3 c.1387C>T (p.Arg463Cys) results in a non-conservative amino acid change in the encoded protein sequence. Algorithms developed to predict the effect of missense changes on protein structure and function all suggest that this variant is likely to be disruptive. The variant allele was found at a frequency of 0.00047 in 251494 control chromosomes. This frequency is not significantly higher than estimated for a pathogenic variant in ATP1A3 causing ATP1A3-Related Disorders, allowing no conclusion about variant significance. c.1387C>T has been observed in an individual affected with dystonia (Arystarkhova_2019) and an individual affected with alternating hemiplegia of childhood (Moya-Mendez_2021), without strong evidence for causality. The variant has also been reported as a biallelic genotype in a compound heterozygous individual with congenital hydrocephalus (Allocco_2019) and at least one homozygote with intellectual disability, microcephaly and epilepsy (Hu_2019); however current evidence is insufficient to determine whether biallelic variants in ATP1A3 are associated with disease. These reports do not provide unequivocal conclusions about association of the variant with ATP1A3-Related Disorders. At least one publication reports experimental evidence evaluating an impact on protein function and found no damaging effect of this variant on cell survival in compaison to the WT protein (e.g. Arystarkhova_2019). The following publications have been ascertained in the context of this evaluation (PMID: 31616254, 31425744, 29302074, 34459253). ClinVar contains an entry for this variant (Variation ID: 377531). Based on the evidence outlined above, the variant was classified as uncertain significance.

Laboratory of Genetics, Children's Clinical University Hospital Latvia
Classification: Likely benign. Last evaluated: 2025-02-16. Review status: criteria provided, single submitter. Criteria: ACMG Guidelines, 2015. Collection method: clinical testing. Allele origin: germline. Affected: yes.

Blueprint Genetics
Classification: Likely benign. Last evaluated: 2024-11-08. Review status: criteria provided, single submitter. Criteria: ACMG Guidelines, 2015. Collection method: clinical testing. Allele origin: germline.

Ambry Genetics
Classification: Likely benign for Inborn genetic diseases. Last evaluated: 2022-08-30. Review status: criteria provided, single submitter. Criteria: Ambry Variant Classification Scheme 2023. Collection method: clinical testing. Allele origin: germline.

Centre for Mendelian Genomics, University Medical Centre Ljubljana
Classification: Uncertain significance for Dystonia 12. Last evaluated: 2019-03-06. Review status: criteria provided, single submitter. Criteria: ACMG Guidelines, 2015. Collection method: clinical testing. Allele origin: unknown. Affected: yes.
Comment: This variant was classified as: Uncertain significance. The available evidence on this variant's pathogenicity is insufficient or conflicting. The following ACMG criteria were applied in classifying this variant: PP2,PP3.

Illumina Laboratory Services, Illumina
Classification: Benign for Dystonia 12. Last evaluated: 2018-01-13. Review status: criteria provided, single submitter. Criteria: ICSL Variant Classification Criteria 13 December 2019. Collection method: clinical testing. Allele origin: germline.
Comment: This variant was observed in the ICSL laboratory as part of a predisposition screen in an ostensibly healthy population. It had not been previously curated by ICSL or reported in the Human Gene Mutation Database (HGMD: prior to June 1st, 2018), and was therefore a candidate for classification through an automated scoring system. Utilizing variant allele frequency, disease prevalence and penetrance estimates, and inheritance mode, an automated score was calculated to assess if this variant is too frequent to cause the disease. Based on the score and internal cut-off values, a variant classified as benign is not then subjected to further curation. The score for this variant resulted in a classification of benign for this disease.

Illumina Laboratory Services, Illumina
Classification: Benign for Alternating hemiplegia of childhood 2. Last evaluated: 2018-01-13. Review status: criteria provided, single submitter. Criteria: ICSL Variant Classification Criteria 13 December 2019. Collection method: clinical testing. Allele origin: germline.
Comment: the same text as in the submission from Illumina Laboratory Services, Illumina above.

GeneDx
Classification: Uncertain significance. Last evaluated: 2016-12-05. Review status: criteria provided, single submitter. Criteria: GeneDx Variant Classification (06012015). Collection method: clinical testing. Allele origin: germline. Affected: yes.
Comment: The R463C variant in the ATP1A3 gene has not been previously reported as a pathogenic or benign variant to our knowledge. The R463C variant was not observed with any significant frequency in approximately 6500 individuals of European and African American ancestry in the NHLBI Exome Sequencing Project, indicating it is not a common benign variant in these populations. The R463C variant is a non-conservative amino acid substitution, which is likely to impact secondary protein structure as these residues differ in polarity, charge, size and/or other properties. This substitution occurs at a position where amino acids with similar properties to Arginine are tolerated across species. In silico analysis predicts this variant is probably damaging to the protein structure/function.

OMIM
Classification: Uncertain significance for VARIANT OF UNKNOWN SIGNIFICANCE. Last evaluated: 2024-07-10. Review status: no assertion criteria provided. Collection method: literature only. Allele origin: germline. Not counted in ClinVar's aggregate classification.

PreventionGenetics, part of Exact Sciences
Classification: Likely benign for ATP1A3-related condition. Last evaluated: 2020-08-25. Review status: no assertion criteria provided. Collection method: clinical testing. Allele origin: germline. Not counted in ClinVar's aggregate classification.
Comment: This variant is classified as likely benign based on ACMG/AMP sequence variant interpretation guidelines (Richards et al. 2015 PMID: 25741868, with internal and published modifications).

Literature cited by the submitters: PubMed 29302074 (cited by Women's Health and Genetics/Laboratory Corporation of America, LabCorp and Ambry Genetics); PubMed 34459253 (cited by Women's Health and Genetics/Laboratory Corporation of America, LabCorp); PubMed 31616254 (cited by 3 submitters); PubMed 31425744 (cited by Women's Health and Genetics/Laboratory Corporation of America, LabCorp and Ambry Genetics).